The following is an entry in ClinVar:

NM_005005.3(NDUFB9):c.-36C>G

Gene: NDUFB9 (NADH:ubiquinone oxidoreductase subunit B9; plus strand). Cytogenetic location: 8q24.13.
Variant type: single nucleotide variant.
Coding change: c.-36C>G on transcript NM_005005.3 (MANE Select); 36 bases upstream of the start codon, C replaced by G.
Molecular consequence: 5 prime UTR variant.
Genome position (GRCh38, 1-based): chr8:124,539,151, C>G. VCF-style: chr8-124539151-C-G. GRCh37 (hg19) VCF-style: chr8-125551392-C-G.
Other names: c.-169C>G (NM_001278645.2); c.-163C>G (NM_001278646.2); c.-36C>G (NM_001311168.2).
Identifiers: ClinVar variation 138471 (VCV000138471.2), dbSNP rs79736226, ClinGen allele CA292477.
Genomic context (GRCh38, chr8:124,539,151, plus strand): 5'-CGGCAACTCCGCCCTTCCGGCTGGCCCCGCTCAGTCACCCGCAGCAGGCGTGCAGTTTCC[C>G]GGCTCTCCGCGCGGCCGGGGAAGGTCAGCGCCGTAATGGCGTTCTTGGCGTCGGGACCCT-3'

ClinVar aggregate classification (germline): Benign. Review status: criteria provided, multiple submitters, no conflicts (2 of 4 stars). 2 submissions from 2 submitters: Benign (2). Last evaluated 2014-02-21.

Allele frequency attached by ClinVar (database versions not stated): ESP Exome Variant Server 0.00569; gnomAD 0.00589; TOPMed 0.00625; 1000 Genomes Project 0.00699; 1000 Genomes Project 30x 0.00750.
gnomAD v4.1: 1,868 of 1,613,684 alleles (0.12%); highest among the groups gnomAD compares: African/African-American, 2.2%; 15 homozygotes.

Submissions (2):

GeneDx
Classification: Benign. Last evaluated: 2014-02-21. Review status: criteria provided, single submitter. Criteria: GeneDx Variant Classification (06012015). Collection method: clinical testing. Allele origin: germline. Affected: yes.
Comment: This variant is considered likely benign or benign based on one or more of the following criteria: it is a conservative change, it occurs at a poorly conserved position in the protein, it is predicted to be benign by multiple in silico algorithms, and/or has population frequency not consistent with disease.

Breakthrough Genomics
Classification: Benign. Review status: criteria provided, single submitter. Criteria: ACMG Guidelines, 2015. Collection method: not provided. Allele origin: germline. Inheritance: Autosomal recessive inheritance. Affected: yes.